The following is an entry in ClinVar:

ClinVar aggregate classification (germline): Uncertain significance (1 of 4 stars; one submission).

gnomAD v4.1: 1 of 1,613,548 alleles (0.000062%); highest among the groups gnomAD compares: Middle Eastern, 0.016%; no homozygotes.

Submission:

Ambry Genetics
Classification: Uncertain significance. Last evaluated: 2026-05-14. Review status: criteria provided, single submitter. Criteria: Ambry Variant Classification Scheme 2023. Collection method: clinical testing. Allele origin: germline.
Comment: The c.6563T>G (p.V2188G) alteration is located in exon 41 (coding exon 41) of the BRWD1 gene. This alteration results from a T to G substitution at nucleotide position 6563, causing the valine (V) at amino acid position 2188 to be replaced by a glycine (G). Based on data from gnomAD, the G allele has an overall frequency of <0.001% (1/250024) total alleles studied. The highest observed frequency was <0.001% (/) of alleles. Based on insufficient or conflicting evidence, the clinical significance of this alteration remains unclear.

NM_033656.4(BRWD1):c.6563T>G (p.Val2188Gly)

Gene: BRWD1 (bromodomain and WD repeat domain containing 1; minus strand). Cytogenetic location: 21q22.2.
Variant type: single nucleotide variant.
Coding change: c.6563T>G on transcript NM_033656.4 (MANE Select); coding-DNA position 6563, T replaced by G.
Protein change: p.Val2188Gly; replaces valine 2188 with glycine.
Molecular consequence: missense variant.
Genome position (GRCh38, 1-based): chr21:39,196,506, A>C on the plus strand (T>G on the coding strand, the complement: BRWD1 is on the minus strand). VCF-style: chr21-39196506-A-C. GRCh37 (hg19) VCF-style: chr21-40568432-A-C.
Other names: c.6563T>G, p.Val2188Gly (NM_018963.5); short protein forms V2188G.
Identifiers: ClinVar variation 4867952 (VCV004867952.1).